The following is an entry in ClinVar:

NM_001089.3(ABCA3):c.4661G>A (p.Trp1554Ter)

Gene: ABCA3 (ATP binding cassette subfamily A member 3; minus strand). Cytogenetic location: 16p13.3.
Variant type: single nucleotide variant.
Coding change: c.4661G>A on transcript NM_001089.3 (MANE Select); coding-DNA position 4661, G replaced by A.
Protein change: p.Trp1554Ter; replaces tryptophan 1554 with a stop codon.
Molecular consequence: nonsense.
Genome position (GRCh38, 1-based): chr16:2,278,345, C>T on the plus strand (G>A on the coding strand, the complement: ABCA3 is on the minus strand). VCF-style: chr16-2278345-C-T. GRCh37 (hg19) VCF-style: chr16-2328346-C-T.
Other names: short protein forms W1554*.
Identifiers: ClinVar variation 2736307 (VCV002736307.3), dbSNP rs1167522067, ClinGen allele CA394305740.

ClinVar aggregate classification (germline): Pathogenic (1 of 4 stars; one submission).

Submission:

Labcorp Genetics (formerly Invitae), Labcorp
Classification: Pathogenic. Last evaluated: 2023-12-02. Review status: criteria provided, single submitter. Criteria: Invitae Variant Classification Sherloc (09022015). Collection method: clinical testing. Allele origin: germline.
Comment: This sequence change creates a premature translational stop signal (p.Trp1554*) in the ABCA3 gene. It is expected to result in an absent or disrupted protein product. Loss-of-function variants in ABCA3 are known to be pathogenic (PMID: 27516224). This variant is not present in population databases (gnomAD no frequency). This premature translational stop signal has been observed in individual(s) with lung disease (PMID: 17429902). For these reasons, this variant has been classified as Pathogenic.

Literature cited by the submitters: PubMed 27516224; PubMed 17429902.